The following is an entry in ClinVar:

NM_001363711.2(DUOX2):c.1315C>T (p.Pro439Ser)

Gene: DUOX2 (dual oxidase 2; minus strand). Cytogenetic location: 15q21.1.
Variant type: single nucleotide variant.
Coding change: c.1315C>T on transcript NM_001363711.2 (MANE Select); coding-DNA position 1315, C replaced by T.
Protein change: p.Pro439Ser; replaces proline 439 with serine.
Molecular consequence: missense variant.
Genome position (GRCh38, 1-based): chr15:45,108,872, G>A on the plus strand (C>T on the coding strand, the complement: DUOX2 is on the minus strand). VCF-style: chr15-45108872-G-A. GRCh37 (hg19) VCF-style: chr15-45401070-G-A.
Other names: c.1315C>T, p.Pro439Ser (NM_014080.5); short protein forms P439S.
Identifiers: ClinVar variation 1521269 (VCV001521269.8), dbSNP rs781544455, ClinGen allele CA7538657.

ClinVar aggregate classification (germline): Uncertain significance (1 of 4 stars; one submission).

Allele frequency attached by ClinVar (database versions not stated): ExAC 0.00002.
gnomAD v4.1: 1 of 1,614,234 alleles (0.000062%); highest among the groups gnomAD compares: South Asian, 0.0011%; no homozygotes.

Submission:

Labcorp Genetics (formerly Invitae), Labcorp
Classification: Uncertain significance. Last evaluated: 2021-03-29. Review status: criteria provided, single submitter. Criteria: Invitae Variant Classification Sherloc (09022015). Collection method: clinical testing. Allele origin: germline.
Comment: In summary, the available evidence is currently insufficient to determine the role of this variant in disease. Therefore, it has been classified as a Variant of Uncertain Significance. Advanced modeling of protein sequence and biophysical properties (such as structural, functional, and spatial information, amino acid conservation, physicochemical variation, residue mobility, and thermodynamic stability) performed at Invitae indicates that this missense variant is not expected to disrupt DUOX2 protein function. This variant has not been reported in the literature in individuals with DUOX2-related conditions. This variant is present in population databases (rs781544455, ExAC 0.006%). This sequence change replaces proline with serine at codon 439 of the DUOX2 protein (p.Pro439Ser). The proline residue is highly conserved and there is a moderate physicochemical difference between proline and serine.